The following is an entry in ClinVar:

ClinVar aggregate classification (germline): Pathogenic (1 of 4 stars; one submission).

Submission:

Labcorp Genetics (formerly Invitae), Labcorp
Classification: Pathogenic. Last evaluated: 2025-12-29. Review status: criteria provided, single submitter. Criteria: Invitae Variant Classification Sherloc (09022015). Collection method: clinical testing. Allele origin: germline.
Comment: This sequence change creates a premature translational stop signal (p.Gly394Alafs*35) in the COL9A1 gene. It is expected to result in an absent or disrupted protein product. Loss-of-function variants in COL9A1 are known to be pathogenic (PMID: 16909383, 21421862). This variant is not present in population databases (gnomAD no frequency). This variant has not been reported in the literature in individuals affected with COL9A1-related conditions. For these reasons, this variant has been classified as Pathogenic.

Literature cited by the submitters: PubMed 16909383; PubMed 21421862.

NM_001851.6(COL9A1):c.1179del (p.Gly394fs)

Genes: COL9A1 (collagen type IX alpha 1 chain; minus strand), LOC129996692 (ATAC-STARR-seq lymphoblastoid active region 24730; plus strand). Cytogenetic location: 6q13.
Variant type: Deletion.
Coding change: c.1179del on transcript NM_001851.6 (MANE Select); coding-DNA position 1179, one base deleted (T; older notation c.1179delT).
Protein change: p.Gly394fs; shifts the reading frame from glycine 394.
Molecular consequence: frameshift variant. On other transcripts: non-coding transcript variant (1).
Genome position (GRCh38, 1-based): chr6:70,270,332, A deleted on the plus strand (T on the coding strand, the reverse complement: COL9A1 is on the minus strand). VCF-style (leftmost placement, unchanged base first): chr6-70270331-CA-C. GRCh37 (hg19) VCF-style: chr6-70980034-CA-C.
Other names: c.450del, p.Gly151fs (NM_001377289.1, NM_001377290.1, NM_078485.4); short protein forms G151fs, G394fs.
Identifiers: ClinVar variation 4808738 (VCV004808738.1).